The following is an entry in ClinVar:

NM_014157.4(CFAP263):c.153C>T (p.Tyr51=)

Gene: CFAP263 (cilia and flagella associated protein 263; plus strand). Cytogenetic location: 16q21.
Variant type: single nucleotide variant.
Coding change: c.153C>T on transcript NM_014157.4 (MANE Select); coding-DNA position 153, C replaced by T.
Protein change: p.Tyr51=; no amino-acid change (tyrosine 51 retained).
Molecular consequence: synonymous variant.
Genome position (GRCh38, 1-based): chr16:58,252,778, C>T. VCF-style: chr16-58252778-C-T. GRCh37 (hg19) VCF-style: chr16-58286682-C-T.
Other names: c.153C>T, p.Tyr51= (NM_001142302.2).
Identifiers: ClinVar variation 4821829 (VCV004821829.4).
Genomic context (GRCh38, chr16:58,252,778, plus strand): 5'-GTCTTGCAGCTATGTAAACTCTGCTCTCAAAACTGAGACTGAGATGTTTGAGAAATATTA[C>T]GCTAAACTGGAGCCCAGGGATCAGCGACCTCCACGATTATCAGAAATTAAAATATCAGCA-3'
Protein context (NP_054876.2, residues 41-61): KTETEMFEKY[Tyr51=]AKLEPRDQRP

ClinVar aggregate classification (germline): Likely benign (1 of 4 stars; one submission).

gnomAD v4.1: 14 of 1,612,722 alleles (0.00087%); highest among the groups gnomAD compares: African/African-American, 0.0027%; no homozygotes.

Submission:

CeGaT Center for Human Genetics Tuebingen
Classification: Likely benign. Last evaluated: 2026-02-01. Review status: criteria provided, single submitter. Criteria: CeGaT Center For Human Genetics Tuebingen Variant Classification Criteria Version 2. Collection method: clinical testing. Allele origin: germline. Affected: yes. Observed: 1 variant allele.
Comment: CFAP263: BP4, BP7